The following is an entry in ClinVar:

NM_033380.3(COL4A5):c.2365A>T (p.Thr789Ser)

Gene: COL4A5 (collagen type IV alpha 5 chain; plus strand). Cytogenetic location: Xq22.3.
Variant type: single nucleotide variant.
Coding change: c.2365A>T on transcript NM_033380.3 (MANE Select); coding-DNA position 2365, A replaced by T.
Protein change: p.Thr789Ser; replaces threonine 789 with serine.
Molecular consequence: missense variant.
Genome position (GRCh38, 1-based): chrX:108,606,862, A>T. VCF-style: chrX-108606862-A-T. GRCh37 (hg19) VCF-style: chrX-107850092-A-T.
Other names: c.2365A>T (NM_033380.2, NM_000495.3, NM_033380.1); c.2365A>T, p.Thr789Ser (NM_000495.5); short protein forms T789S.
Identifiers: ClinVar variation 2164349 (VCV002164349.5), dbSNP rs963596952, ClinGen allele CA334041756.

ClinVar aggregate classification (germline): Uncertain significance. Review status: criteria provided, multiple submitters, no conflicts (2 of 4 stars). 5 submissions from 5 submitters: Uncertain significance (5). Last evaluated 2026-05-05.

Conditions:
Inborn genetic diseases. Identifiers: MedGen C0950123, MeSH D030342.
X-linked Alport syndrome (ATS1). Also called: NEPHROPATHY AND DEAFNESS, X-LINKED; COL4A5-Related Nephropathy. Identifiers: Orphanet 63, Orphanet 88917, MedGen C4746986, MONDO:0010520, OMIM 301050.

Submissions (5):

Ambry Genetics
Classification: Uncertain significance for Inborn genetic diseases. Last evaluated: 2026-05-05. Review status: criteria provided, single submitter. Criteria: Ambry Variant Classification Scheme 2023. Collection method: clinical testing. Allele origin: germline.

GeneDx
Classification: Uncertain significance. Last evaluated: 2026-03-03. Review status: criteria provided, single submitter. Criteria: GeneDx Variant Classification Process June 2021. Collection method: clinical testing. Allele origin: germline.
Comment: Occurs in the triple helical domain at the Y position in the canonical Gly-X-Y repeat; although this variant may have an effect on normal protein folding and function, missense substitution at the Y position is not a common mechanism of disease; Not observed at significant frequency in large population cohorts (gnomAD); In silico analysis suggests that this missense variant does not alter protein structure/function; Has not been previously published as pathogenic or benign to our knowledge

Blueprint Genetics
Classification: Uncertain significance. Last evaluated: 2024-01-24. Review status: criteria provided, single submitter. Criteria: ACMG Guidelines, 2015. Collection method: clinical testing. Allele origin: germline.

Victorian Clinical Genetics Services, Murdoch Childrens Research Institute
Classification: Uncertain significance for X-linked Alport syndrome. Last evaluated: 2022-09-02. Review status: criteria provided, single submitter. Criteria: ACMG Guidelines, 2015. Collection method: clinical testing. Allele origin: germline. Inheritance: X-linked dominant inheritance. Affected: yes.
Comment: Based on the classification scheme VCGS_Germline_v1.3.4, this variant is classified as VUS-3C. Following criteria are met: 0103 - Dominant negative and loss of function are known mechanisms of disease in this gene, and are associated with X-linked Alport syndrome 1 (MIM#301050). Dominant negative is caused mostly by glycine substitutions that affect the conformation of the protein, and loss of function can be caused by either protein truncating or missense variants (PMID: 24046192, 12028435). (I) 0110 - This gene is associated with X-linked dominant disease. Males are typically more severely affected than females (PMID: 19965530). (I) 0115 - Variants in this gene are known to have variable expressivity. There is intrafamilial variability among affected carrier females, possibly due to variable X-inactivation (PMID: 14514738). (I) 0200 - Variant is predicted to result in a missense amino acid change from threonine to serine. (I) 0253 - This variant is hemizygous. (I) 0301 - Variant is absent from gnomAD (both v2 and v3). (SP) 0503 - Missense variant not conserved in placental mammals with a minor amino acid change but with conflicting in silico tools. (SB) 0600 - Variant is located in the annotated triple-helical region (DECIPHER). (I) 0710 - Another missense variant comparable to the one identified in this case has inconclusive previous evidence for pathogenicity. (I) 0807 - This variant has no previous evidence of pathogenicity. (I) 0905 - No published segregation evidence has been identified for this variant. (I) 1007 - No published functional evidence has been identified for this variant. (I) 1208 - Inheritance information for this variant is not currently available in this individual. (I) Legend: (SP) - Supporting pathogenic, (I) - Information, (SB) - Supporting benign

Labcorp Genetics (formerly Invitae), Labcorp
Classification: Uncertain significance. Last evaluated: 2021-03-06. Review status: criteria provided, single submitter. Criteria: Invitae Variant Classification Sherloc (09022015). Collection method: clinical testing. Allele origin: germline.
Comment: This sequence change replaces threonine with serine at codon 789 of the COL4A5 protein (p.Thr789Ser). The threonine residue is moderately conserved and there is a small physicochemical difference between threonine and serine. This variant is not present in population databases (ExAC no frequency). This variant has not been reported in the literature in individuals with COL4A5-related conditions. Advanced modeling of protein sequence and biophysical properties (such as structural, functional, and spatial information, amino acid conservation, physicochemical variation, residue mobility, and thermodynamic stability) performed at Invitae indicates that this missense variant is not expected to disrupt COL4A5 protein function. In summary, the available evidence is currently insufficient to determine the role of this variant in disease. Therefore, it has been classified as a Variant of Uncertain Significance.

Literature cited by the submitters: PubMed 12028435 (cited by Victorian Clinical Genetics Services, Murdoch Childrens Research Institute); PubMed 14514738 (cited by Victorian Clinical Genetics Services, Murdoch Childrens Research Institute); PubMed 19965530 (cited by Victorian Clinical Genetics Services, Murdoch Childrens Research Institute); PubMed 24046192 (cited by Victorian Clinical Genetics Services, Murdoch Childrens Research Institute); PubMed 31349857 (cited by Victorian Clinical Genetics Services, Murdoch Childrens Research Institute).